The following is an entry in ClinVar:

NM_000426.4(LAMA2):c.158C>T (p.Thr53Met)

Gene: LAMA2 (laminin subunit alpha 2; plus strand). Cytogenetic location: 6q22.33.
Variant type: single nucleotide variant.
Coding change: c.158C>T on transcript NM_000426.4 (MANE Select); coding-DNA position 158, C replaced by T.
Protein change: p.Thr53Met; replaces threonine 53 with methionine.
Molecular consequence: missense variant.
Genome position (GRCh38, 1-based): chr6:129,049,963, C>T. VCF-style: chr6-129049963-C-T. GRCh37 (hg19) VCF-style: chr6-129371108-C-T.
Other names: c.158C>T, p.Thr53Met (NM_001079823.2); short protein forms T53M.
Identifiers: ClinVar variation 955632 (VCV000955632.6), dbSNP rs747469905, ClinGen allele CA3992237.

ClinVar aggregate classification (germline): Uncertain significance (1 of 4 stars; one submission).

Conditions:
LAMA2-related muscular dystrophy (LAMA2-RD). Also called: Laminin alpha 2-related dystrophy. Identifiers: MedGen C5679788, MONDO:0100228.

Allele frequency attached by ClinVar (database versions not stated): gnomAD exomes below 0.00001 and 0.00001; ExAC 0.00001; TOPMed 0.00001.
gnomAD v4.1: 4 of 1,613,828 alleles (0.00025%); highest among the groups gnomAD compares: Admixed American, 0.0017%; no homozygotes.

Submission:

Labcorp Genetics (formerly Invitae), Labcorp
Classification: Uncertain significance for LAMA2-related muscular dystrophy. Last evaluated: 2026-01-19. Review status: criteria provided, single submitter. Criteria: Invitae Variant Classification Sherloc (09022015). Collection method: clinical testing. Allele origin: germline.
Comment: This sequence change replaces threonine, which is neutral and polar, with methionine, which is neutral and non-polar, at codon 53 of the LAMA2 protein (p.Thr53Met). This variant is present in population databases (rs747469905, gnomAD 0.003%). This variant has not been reported in the literature in individuals affected with LAMA2-related conditions. ClinVar contains an entry for this variant (Variation ID: 955632). Invitae Evidence Modeling of protein sequence and biophysical properties (such as structural, functional, and spatial information, amino acid conservation, physicochemical variation, residue mobility, and thermodynamic stability) indicates that this missense variant is not expected to disrupt LAMA2 protein function with a negative predictive value of 95%. In summary, the available evidence is currently insufficient to determine the role of this variant in disease. Therefore, it has been classified as a Variant of Uncertain Significance.